The following is an entry in ClinVar:

ClinVar aggregate classification (germline): Pathogenic (1 of 4 stars; one submission).

Conditions:
Mitochondrial complex II deficiency, nuclear type 1. Also called: SUCCINATE CoQ REDUCTASE DEFICIENCY. Identifiers: Orphanet 3208, MedGen C5700310, MONDO:0100294, OMIM 252011.
Pheochromocytoma/paraganglioma syndrome 5. Also called: Paragangliomas 5; SDHA-Related Hereditary Paraganglioma-Pheochromocytoma Syndrome. Identifiers: Orphanet 29072, MedGen C3279992, MONDO:0013602, OMIM 614165.

Submission:

Labcorp Genetics (formerly Invitae), Labcorp
Classification: Pathogenic for Pheochromocytoma/paraganglioma syndrome 5; Mitochondrial complex II deficiency, nuclear type 1. Last evaluated: 2022-04-21. Review status: criteria provided, single submitter. Criteria: Invitae Variant Classification Sherloc (09022015). Collection method: clinical testing. Allele origin: germline.
Comment: For these reasons, this variant has been classified as Pathogenic. This variant has not been reported in the literature in individuals affected with SDHA-related conditions. This variant is not present in population databases (gnomAD no frequency). This sequence change creates a premature translational stop signal (p.Ser346Profs*2) in the SDHA gene. It is expected to result in an absent or disrupted protein product. Loss-of-function variants in SDHA are known to be pathogenic (PMID: 22974104, 24781757).

Literature cited by the submitters: PubMed 22974104; PubMed 24781757.

NM_004168.4(SDHA):c.1035del (p.Ser346fs)

Gene: SDHA (succinate dehydrogenase complex flavoprotein subunit A; plus strand). Cytogenetic location: 5p15.33.
Variant type: Deletion.
Coding change: c.1035del on transcript NM_004168.4 (MANE Select); coding-DNA position 1035, one base deleted (G; older notation c.1035delG).
Protein change: p.Ser346fs; shifts the reading frame from serine 346.
Molecular consequence: frameshift variant.
Genome position (GRCh38, 1-based): chr5:233,616, G deleted; the last of 2 consecutive G bases (chr5:233,615-233,616); deleting either gives the same sequence. VCF-style (leftmost placement, unchanged base first): chr5-233614-CG-C. GRCh37 (hg19) VCF-style: chr5-233729-CG-C.
Other names: c.891del, p.Ser298fs (NM_001294332.2); c.1035del, p.Ser346fs (NM_001330758.2); short protein forms S298fs, S346fs.
Identifiers: ClinVar variation 1401495 (VCV001401495.6), dbSNP rs2126578126, ClinGen allele CA2573139510.
Genomic context (GRCh38, chr5:233,614, plus strand): 5'-AGGTTTATGGAGCGATACGCCCCTGTCGCGAAGGACCTGGCGTCTAGAGATGTGGTGTCT[CG>C]GTCCATGACTCTGGAGATCCGAGAAGGAAGGTGCGTGTGATTTACCACCAGCACTGTCTG-3'